The following is an entry in ClinVar:

ClinVar aggregate classification (germline): Pathogenic. Review status: criteria provided, multiple submitters, no conflicts (2 of 4 stars). 2 submissions from 2 submitters: Pathogenic (2). Last evaluated 2025-11-10.

Conditions:
Hereditary cancer-predisposing syndrome. Also called: Hereditary neoplastic syndrome; Neoplastic Syndromes, Hereditary; Tumor predisposition; Hereditary Cancer Syndrome. Identifiers: Orphanet 140162, MedGen C0027672, MeSH D009386, MONDO:0015356.
Familial cancer of breast. Also called: hereditary breast carcinoma; BREAST CANCER, FAMILIAL; Hereditary breast cancer. Identifiers: Orphanet 227535, MedGen C0346153, MONDO:0016419, OMIM 114480. Disease mechanism: loss of function.

Submissions (2):

Ambry Genetics
Classification: Pathogenic for Hereditary cancer-predisposing syndrome. Last evaluated: 2025-11-10. Review status: criteria provided, single submitter. Criteria: Ambry Variant Classification Scheme 2023. Collection method: clinical testing. Allele origin: germline.
Comment: The c.3918_3930del13 pathogenic mutation, located in coding exon 25 of the ATM gene, results from a deletion of 13 nucleotides at nucleotide positions 3918 to 3930, causing a translational frameshift with a predicted alternate stop codon (p.G1307Kfs*38). This variant is considered to be rare based on population cohorts in the Genome Aggregation Database (gnomAD). This alteration is expected to result in loss of function by premature protein truncation or nonsense-mediated mRNA decay. As such, this alteration is interpreted as a disease-causing mutation.

Myriad Genetics, Inc.
Classification: Pathogenic for Familial cancer of breast. Last evaluated: 2025-05-06. Review status: criteria provided, single submitter. Criteria: Myriad Autosomal Dominant, Autosomal Recessive and X-Linked Classification Criteria (2023). Collection method: clinical testing. Allele origin: unknown.
Comment: This variant is considered pathogenic. This variant creates a frameshift predicted to result in premature protein truncation.

NM_000051.4(ATM):c.3918_3930del (p.Gly1307fs)

Gene: ATM (ATM serine/threonine kinase; plus strand). Cytogenetic location: 11q22.3.
Variant type: Deletion.
Coding change: c.3918_3930del on transcript NM_000051.4 (MANE Select); coding-DNA positions 3918 to 3930, 13 bases deleted (TGGGATGGCACAG).
Protein change: p.Gly1307fs; shifts the reading frame from glycine 1307.
Molecular consequence: frameshift variant.
Genome position (GRCh38, 1-based): chr11:108,284,398-108,284,410, TGGGATGGCACAG deleted; deleting any 13 consecutive bases within chr11:108,284,394-108,284,410 gives the same sequence; the c. name uses the placement nearest the transcript's 3' end. VCF-style (leftmost placement, unchanged base first): chr11-108284393-GACAGTGGGATGGC-G. GRCh37 (hg19) VCF-style: chr11-108155120-GACAGTGGGATGGC-G.
Other names: c.3918_3930del, p.Gly1307fs (NM_001351834.2); c.3918_3930del13 (NM_000051.3); short protein forms G1307fs.
Identifiers: ClinVar variation 4071386 (VCV004071386.2).
Genomic context (GRCh38, chr11:108,284,393, plus strand): 5'-GACTGCTTTCCAAAGATTCTTGTAAATATTCTTCCTTATTTTGCCTATGAGGGTACCAGA[GACAGTGGGATGGC>G]ACAGCAAAGAGAGACTGCTACCAAGGTCTATGATATGCTTAAAAGTGAAAACTTATTGGG-3'